The following is an entry in ClinVar:

ClinVar aggregate classification (germline): Pathogenic/Likely pathogenic. Review status: criteria provided, multiple submitters, no conflicts (2 of 4 stars). 3 submissions from 3 submitters: Pathogenic (2); Likely pathogenic (1). Last evaluated 2026-10-25.

Conditions:
Dermatitis, atopic, 2. Identifiers: MedGen C1853965, MONDO:0011596, OMIM 605803.
Ichthyosis vulgaris. Also called: ICHTHYOSIS SIMPLEX; Dominant ichthyosis vulgaris. Identifiers: MedGen C0079584, MONDO:0024304, OMIM 146700.

gnomAD v4.1: 73 of 1,613,686 alleles (0.0045%); highest among the groups gnomAD compares: Middle Eastern, 0.017%; 1 homozygote.

Submissions (3):

GeneDx
Classification: Pathogenic. Last evaluated: 2026-10-25. Review status: criteria provided, single submitter. Criteria: GeneDx Variant Classification Process June 2021. Collection method: clinical testing. Allele origin: germline.
Comment: Nonsense variant predicted to result in protein truncation, as the last 2912 amino acids are lost, and other loss-of-function variants have been reported downstream in HGMD; This variant is associated with the following publications: (PMID: 31365035, 40125057, 16444271)

Neuberg Centre For Genomic Medicine, NCGM
Classification: Pathogenic for Ichthyosis vulgaris. Last evaluated: 2023-02-14. Review status: criteria provided, single submitter. Criteria: ACMG Guidelines, 2015. Collection method: clinical testing. Allele origin: germline. Inheritance: Autosomal recessive inheritance. Affected: yes.
Comment: The stop gained c.3448C>T (p.Arg1150Ter) variant in FLG gene has not been reported previously as a pathogenic variant nor as a benign variant, to our knowledge. The p.Arg1150Ter variant has allele frequency 0.004% in gnomAD Exomes and is novel (not in any individuals) in 1000 Genomes. This variant has not been reported to the ClinVar database. Loss of function variants have been previously reported to be disease causing. However, since this variant is present in the last exon, functional studies will be required to prove protein truncation to prove protein truncation. Hence for these reasons, this variant has been classified as uncertain significance (VUS).

Juno Genomics, Hangzhou Juno Genomics, Inc
Classification: Likely pathogenic for Dermatitis, atopic, 2; Ichthyosis vulgaris. Review status: criteria provided, single submitter. Criteria: ACMG Guidelines, 2015. Collection method: clinical testing. Allele origin: germline.
Comment: Absent from controls (or at extremely low frequency if recessive) in Genome Aggregation Database.;Null variant in a gene where loss of function (LOF) is a known mechanism of disease.;Patient's phenotype or family history is highly specific for a disease with a single genetic etiology.

NM_002016.2(FLG):c.3448C>T (p.Arg1150Ter)

Genes: CCDST (cervical cancer associated DHX9 suppressive transcript; plus strand), FLG (filaggrin; minus strand). Cytogenetic location: 1q21.3.
Variant type: single nucleotide variant.
Coding change: c.3448C>T on transcript NM_002016.2 (MANE Select); coding-DNA position 3448, C replaced by T.
Protein change: p.Arg1150Ter; replaces arginine 1150 with a stop codon.
Molecular consequence: nonsense.
Genome position (GRCh38, 1-based): chr1:152,311,438, G>A on the plus strand (C>T on the coding strand, the complement: FLG is on the minus strand). VCF-style: chr1-152311438-G-A. GRCh37 (hg19) VCF-style: chr1-152283914-G-A.
Other names: short protein forms R1150*.
Identifiers: ClinVar variation 2443581 (VCV002443581.8), dbSNP rs755996559, ClinGen allele CA1106673.